The following is an entry in ClinVar:

NR_029844.1(MIR296):n.64C>T

Gene: MIR296 (microRNA 296; minus strand). Cytogenetic location: 20q13.32.
Variant type: single nucleotide variant.
Molecular consequence: non-coding transcript variant (on NR_029844.1).
Genome position: GRCh38 VCF-style: chr20-58817631-G-A. GRCh37 (hg19) VCF-style: chr20-57392686-G-A.
Identifiers: ClinVar variation 4533436 (VCV004533436.6).

ClinVar aggregate classification (germline): Benign (1 of 4 stars; one submission).

Submission:

CeGaT Center for Human Genetics Tuebingen
Classification: Benign. Last evaluated: 2025-11-01. Review status: criteria provided, single submitter. Criteria: CeGaT Center For Human Genetics Tuebingen Variant Classification Criteria Version 2. Collection method: clinical testing. Allele origin: germline. Affected: yes. Observed: 1 variant allele.
Comment: MIR296: BS1, BS2